The following is an entry in ClinVar:

NM_000796.6(DRD3):c.1047T>C (p.His349=)

Gene: DRD3 (dopamine receptor D3; minus strand). Cytogenetic location: 3q13.31.
Variant type: single nucleotide variant.
Coding change: c.1047T>C on transcript NM_000796.6 (MANE Select); coding-DNA position 1047, T replaced by C.
Protein change: p.His349=; no amino-acid change (histidine 349 retained).
Molecular consequence: synonymous variant.
Genome position (GRCh38, 1-based): chr3:114,128,872, A>G on the plus strand (T>C on the coding strand, the complement: DRD3 is on the minus strand). VCF-style: chr3-114128872-A-G. GRCh37 (hg19) VCF-style: chr3-113847719-A-G.
Other names: c.1047T>C, p.His349= (NM_001282563.2, NM_001290809.1); c.948T>C, p.His316= (NM_033663.6).
Identifiers: ClinVar variation 726241 (VCV000726241.27), dbSNP rs139341493, ClinGen allele CA2550462.

ClinVar aggregate classification (germline): Likely benign. Review status: criteria provided, multiple submitters, no conflicts (2 of 4 stars). 3 submissions from 3 submitters: Likely benign (3). Last evaluated 2024-11-01.

Allele frequency attached by ClinVar (database versions not stated): ESP Exome Variant Server 0.00054; gnomAD 0.00056 and 0.00063; 1000 Genomes Project 30x 0.00062; gnomAD exomes 0.00062 and 0.00092; TOPMed 0.00067; 1000 Genomes Project 0.00080; ExAC 0.00084.
gnomAD v4.1: 1,061 of 1,611,096 alleles (0.066%); highest among the groups gnomAD compares: Middle Eastern, 1.3%; 10 homozygotes.

Submissions (3):

CeGaT Center for Human Genetics Tuebingen
Classification: Likely benign. Last evaluated: 2024-11-01. Review status: criteria provided, single submitter. Criteria: CeGaT Center For Human Genetics Tuebingen Variant Classification Criteria Version 2. Collection method: clinical testing. Allele origin: germline. Affected: yes. Observed: 2 variant alleles.
Comment: DRD3: BP4, BP7

Labcorp Genetics (formerly Invitae), Labcorp
Classification: Likely benign. Last evaluated: 2018-06-09. Review status: criteria provided, single submitter. Criteria: Invitae Variant Classification Sherloc (09022015). Collection method: clinical testing. Allele origin: germline.

Breakthrough Genomics
Classification: Likely benign. Review status: criteria provided, single submitter. Criteria: ACMG Guidelines, 2015. Collection method: not provided. Allele origin: germline. Inheritance: Autosomal dominant inheritance. Affected: yes.